The following is an entry in ClinVar:

ClinVar aggregate classification (germline): Uncertain significance. Review status: criteria provided, multiple submitters, no conflicts (2 of 4 stars). 3 submissions from 3 submitters: Uncertain significance (3). Last evaluated 2025-11-20.

Conditions:
Inborn genetic diseases. Identifiers: MedGen C0950123, MeSH D030342.
Progressive microcephaly-seizures-cortical blindness-developmental delay syndrome. Also called: Seizures, cortical blindness, and microcephaly syndrome. Identifiers: Orphanet 477814, MedGen C5567650, MONDO:0014714, OMIM 616632.
Autosomal dominant nonsyndromic hearing loss 1. Also called: DEAFNESS, AUTOSOMAL DOMINANT 1, WITH OR WITHOUT THROMBOCYTOPENIA; KONIGSMARK SYNDROME. Identifiers: Orphanet 90635, MedGen C1852282, MONDO:0007424, OMIM 124900.

Allele frequency attached by ClinVar (database versions not stated): TOPMed below 0.00001.

Submissions (3):

Ambry Genetics
Classification: Uncertain significance for Inborn genetic diseases. Last evaluated: 2025-11-20. Review status: criteria provided, single submitter. Criteria: Ambry Variant Classification Scheme 2023. Collection method: clinical testing. Allele origin: germline.

Labcorp Genetics (formerly Invitae), Labcorp
Classification: Uncertain significance for Progressive microcephaly-seizures-cortical blindness-developmental delay syndrome; Autosomal dominant nonsyndromic hearing loss 1. Last evaluated: 2025-03-10. Review status: criteria provided, single submitter. Criteria: Invitae Variant Classification Sherloc (09022015). Collection method: clinical testing. Allele origin: germline.
Comment: This sequence change replaces glutamine, which is neutral and polar, with leucine, which is neutral and non-polar, at codon 1098 of the DIAPH1 protein (p.Gln1098Leu). This variant is not present in population databases (gnomAD no frequency). This variant has not been reported in the literature in individuals affected with DIAPH1-related conditions. ClinVar contains an entry for this variant (Variation ID: 1429895). An algorithm developed to predict the effect of missense changes on protein structure and function (PolyPhen-2) suggests that this variant is likely to be tolerated. In summary, the available evidence is currently insufficient to determine the role of this variant in disease. Therefore, it has been classified as a Variant of Uncertain Significance.

Blueprint Genetics
Classification: Uncertain significance. Last evaluated: 2022-05-30. Review status: criteria provided, single submitter. Criteria: ACMG Guidelines, 2015. Collection method: clinical testing. Allele origin: germline.

NM_005219.5(DIAPH1):c.3293A>T (p.Gln1098Leu)

Gene: DIAPH1 (diaphanous related formin 1; minus strand). Cytogenetic location: 5q31.3.
Variant type: single nucleotide variant.
Coding change: c.3293A>T on transcript NM_005219.5 (MANE Select); coding-DNA position 3293, A replaced by T.
Protein change: p.Gln1098Leu; replaces glutamine 1098 with leucine.
Molecular consequence: missense variant.
Genome position (GRCh38, 1-based): chr5:141,526,442, T>A on the plus strand (A>T on the coding strand, the complement: DIAPH1 is on the minus strand). VCF-style: chr5-141526442-T-A. GRCh37 (hg19) VCF-style: chr5-140906009-T-A.
Other names: c.3293A>T (NM_005219.4); c.3266A>T, p.Gln1089Leu (NM_001079812.3); c.3293A>T, p.Gln1098Leu (NM_001314007.2); short protein forms Q1089L, Q1098L.
Identifiers: ClinVar variation 1429895 (VCV001429895.10), dbSNP rs997606547, ClinGen allele CA128423962.
Genomic context (GRCh38, chr5:141,526,442, plus strand): 5'-AGCTCCTTATAGAGGGTCTCCATGTTAGAATGCATCATCCGCAGCTTGTTATACTGTTCC[T>A]GTGCATCCTTCACAAAGCTGTGCAGCCAAGGAGTAAAGGACCAAGACCAAGACCAAGAAG-3'
Protein context (NP_005210.3, residues 1088-1108): EKMTSFVKDA[Gln1098Leu]EQYNKLRMMH